The following is an entry in ClinVar:

ClinVar aggregate classification (germline): Uncertain significance (1 of 4 stars; one submission).

Conditions:
Hereditary pancreatitis (PCTT). Also called: PRSS1-Related Hereditary Pancreatitis; Hereditary chronic pancreatitis. Identifiers: Orphanet 676, MedGen C0238339, MONDO:0008185, OMIM 167800.

Submission:

Ambry Genetics
Classification: Uncertain significance for Hereditary pancreatitis. Last evaluated: 2025-02-28. Review status: criteria provided, single submitter. Criteria: Ambry Variant Classification Scheme 2023. Collection method: clinical testing. Allele origin: germline.
Comment: The p.L4W variant (also known as c.11T>G), located in coding exon 1 of the CPA1 gene, results from a T to G substitution at nucleotide position 11. The leucine at codon 4 is replaced by tryptophan, an amino acid with similar properties. This amino acid position is conserved. In addition, this alteration is predicted to be tolerated by in silico analysis. Based on the available evidence, the clinical significance of this variant remains unclear.

NM_001868.4(CPA1):c.11T>G (p.Leu4Trp)

Gene: CPA1 (carboxypeptidase A1; plus strand). Cytogenetic location: 7q32.2.
Variant type: single nucleotide variant.
Coding change: c.11T>G on transcript NM_001868.4 (MANE Select); coding-DNA position 11, T replaced by G.
Protein change: p.Leu4Trp; replaces leucine 4 with tryptophan.
Molecular consequence: missense variant.
Genome position (GRCh38, 1-based): chr7:130,380,531, T>G. VCF-style: chr7-130380531-T-G. GRCh37 (hg19) VCF-style: chr7-130020372-T-G.
Other names: short protein forms L4W.
Identifiers: ClinVar variation 3835744 (VCV003835744.1).
Genomic context (GRCh38, chr7:130,380,531, plus strand): 5'-AGCCAGGGGGCCGTCTCGACCTCAGTCTGACCTTCCCTCCCGGCAGCAGCATGCGGGGGT[T>G]GCTGGTGTTGAGTGTCCTGTTGGGGGCTGTCTTTGGCAAGGAGGACTTTGTGGGGTAGGG-3'
Protein context (NP_001859.1, residues 1-14): MRG[Leu4Trp]LVLSVLLGAV